The following is an entry in ClinVar:

NM_003721.4(RFXANK):c.623C>T (p.Ala208Val)

Gene: RFXANK (regulatory factor X associated ankyrin containing protein; plus strand). Cytogenetic location: 19p13.11.
Variant type: single nucleotide variant.
Coding change: c.623C>T on transcript NM_003721.4 (MANE Select); coding-DNA position 623, C replaced by T.
Protein change: p.Ala208Val; replaces alanine 208 with valine.
Molecular consequence: missense variant.
Genome position (GRCh38, 1-based): chr19:19,198,715, C>T. VCF-style: chr19-19198715-C-T. GRCh37 (hg19) VCF-style: chr19-19309524-C-T.
Other names: c.557C>T, p.Ala186Val (NM_001278727.2, NM_001370234.1); c.554C>T, p.Ala185Val (NM_001278728.2, NM_134440.3); c.623C>T, p.Ala208Val (NM_001370233.1, NM_001370238.1); c.620C>T, p.Ala207Val (NM_001370235.1, NM_001370236.1, NM_001370237.1); c.623C>T (NM_003721.2); short protein forms A208V, A186V, A207V, A185V.
Identifiers: ClinVar variation 538590 (VCV000538590.6), dbSNP rs140748502, ClinGen allele CA9322842.

ClinVar aggregate classification (germline): Uncertain significance. Review status: criteria provided, multiple submitters, no conflicts (2 of 4 stars). 2 submissions from 2 submitters: Uncertain significance (2). Last evaluated 2025-11-20.

Conditions:
MHC class II deficiency. Also called: BLS, TYPE II; Bare lymphocyte syndrome 2. Identifiers: Orphanet 572, MedGen C5447452, MONDO:0008855.
Inborn genetic diseases. Identifiers: MedGen C0950123, MeSH D030342.

Allele frequency attached by ClinVar (database versions not stated): ExAC 0.00001; gnomAD exomes 0.00001; gnomAD 0.00006; TOPMed 0.00007; ESP Exome Variant Server 0.00008.
gnomAD v4.1: 48 of 1,613,876 alleles (0.003%); highest among the groups gnomAD compares: African/African-American, 0.011%; no homozygotes.

Submissions (2):

Ambry Genetics
Classification: Uncertain significance for Inborn genetic diseases. Last evaluated: 2025-11-20. Review status: criteria provided, single submitter. Criteria: Ambry Variant Classification Scheme 2023. Collection method: clinical testing. Allele origin: germline.

Labcorp Genetics (formerly Invitae), Labcorp
Classification: Uncertain significance for MHC class II deficiency. Last evaluated: 2021-09-01. Review status: criteria provided, single submitter. Criteria: Invitae Variant Classification Sherloc (09022015). Collection method: clinical testing. Allele origin: germline.
Comment: This sequence change replaces alanine with valine at codon 208 of the RFXANK protein (p.Ala208Val). The alanine residue is highly conserved and there is a small physicochemical difference between alanine and valine. This variant is present in population databases (rs140748502, ExAC 0.01%). This variant has not been reported in the literature in individuals affected with RFXANK-related conditions. Algorithms developed to predict the effect of missense changes on protein structure and function (SIFT, PolyPhen-2, Align-GVGD) all suggest that this variant is likely to be tolerated. In summary, the available evidence is currently insufficient to determine the role of this variant in disease. Therefore, it has been classified as a Variant of Uncertain Significance.